The following is an entry in ClinVar:

ClinVar aggregate classification (germline): Likely benign (1 of 4 stars; one submission).

Conditions:
PKD1-related disorder. Also called: PKD1-related condition.

gnomAD v4.1: 13 of 1,606,754 alleles (0.00081%); highest among the groups gnomAD compares: African/African-American, 0.015%; no homozygotes.

Submission:

PreventionGenetics, part of Exact Sciences
Classification: Likely benign for PKD1-related condition. Last evaluated: 2026-01-06. Review status: criteria provided, single submitter. Criteria: ACMG Guidelines, 2015. Collection method: clinical testing. Allele origin: germline.
Comment: This variant is classified as likely benign based on ACMG/AMP sequence variant interpretation guidelines (Richards et al. 2015 PMID: 25741868, with internal and published modifications).

NM_001009944.3(PKD1):c.7653G>A (p.Leu2551=)

Gene: PKD1 (polycystin 1, transient receptor potential channel interacting; minus strand). Cytogenetic location: 16p13.3.
Variant type: single nucleotide variant.
Coding change: c.7653G>A on transcript NM_001009944.3 (MANE Select); coding-DNA position 7653, G replaced by A.
Protein change: p.Leu2551=; no amino-acid change (leucine 2551 retained).
Molecular consequence: synonymous variant.
Genome position (GRCh38, 1-based): chr16:2,106,141, C>T on the plus strand (G>A on the coding strand, the complement: PKD1 is on the minus strand). VCF-style: chr16-2106141-C-T. GRCh37 (hg19) VCF-style: chr16-2156142-C-T.
Other names: c.7653G>A, p.Leu2551= (NM_000296.4).
Identifiers: ClinVar variation 4978264 (VCV004978264.1).